The following is an entry in ClinVar:

NM_006231.4(POLE):c.3576G>C (p.Arg1192Ser)

Gene: POLE (DNA polymerase epsilon, catalytic subunit; minus strand). Cytogenetic location: 12q24.33.
Variant type: single nucleotide variant.
Coding change: c.3576G>C on transcript NM_006231.4 (MANE Select); coding-DNA position 3576, G replaced by C.
Protein change: p.Arg1192Ser; replaces arginine 1192 with serine.
Molecular consequence: missense variant.
Genome position (GRCh38, 1-based): chr12:132,657,142, C>G on the plus strand (G>C on the coding strand, the complement: POLE is on the minus strand). VCF-style: chr12-132657142-C-G. GRCh37 (hg19) VCF-style: chr12-133233728-C-G.
Other names: c.3576G>C (NM_006231.2); short protein forms R1192S.
Identifiers: ClinVar variation 937548 (VCV000937548.10), dbSNP rs2042561187, ClinGen allele CA387388304.

ClinVar aggregate classification (germline): Conflicting classifications of pathogenicity. Review status: criteria provided, conflicting classifications (1 of 4 stars). 2 submissions from 2 submitters: Uncertain significance (1); Likely benign (1). Last evaluated 2026-07-08.

Conditions:
Hereditary cancer-predisposing syndrome. Also called: Neoplastic Syndromes, Hereditary; Hereditary Cancer Syndrome; Tumor predisposition; Hereditary neoplastic syndrome. Identifiers: Orphanet 140162, MedGen C0027672, MeSH D009386, MONDO:0015356.

Submissions (2):

Ambry Genetics
Classification: Likely benign for Hereditary cancer-predisposing syndrome. Last evaluated: 2026-07-08. Review status: criteria provided, single submitter. Criteria: Ambry Variant Classification Scheme 2023. Collection method: clinical testing. Allele origin: germline.

Labcorp Genetics (formerly Invitae), Labcorp
Classification: Uncertain significance. Last evaluated: 2023-07-07. Review status: criteria provided, single submitter. Criteria: Invitae Variant Classification Sherloc (09022015). Collection method: clinical testing. Allele origin: germline.
Comment: In summary, the available evidence is currently insufficient to determine the role of this variant in disease. Therefore, it has been classified as a Variant of Uncertain Significance. Advanced modeling of protein sequence and biophysical properties (such as structural, functional, and spatial information, amino acid conservation, physicochemical variation, residue mobility, and thermodynamic stability) performed at Invitae indicates that this missense variant is not expected to disrupt POLE protein function. ClinVar contains an entry for this variant (Variation ID: 937548). This variant has not been reported in the literature in individuals affected with POLE-related conditions. This variant is not present in population databases (gnomAD no frequency). This sequence change replaces arginine, which is basic and polar, with serine, which is neutral and polar, at codon 1192 of the POLE protein (p.Arg1192Ser).